The following is an entry in ClinVar:

ClinVar aggregate classification (germline): Pathogenic (1 of 4 stars; one submission).

Conditions:
Neuronopathy, distal hereditary motor, autosomal recessive 4. Also called: Autosomal recessive lower motor neuron disease with childhood onset; NEUROPATHY, DISTAL HEREDITARY MOTOR, AUTOSOMAL RECESSIVE 4. Identifiers: Orphanet 206580, MedGen C1970211, MONDO:0012608, OMIM 611067.
Charcot-Marie-Tooth disease recessive intermediate C. Also called: CHARCOT-MARIE-TOOTH NEUROPATHY, RECESSIVE INTERMEDIATE C. Identifiers: Orphanet 369867, MedGen C3809309, MONDO:0014154, OMIM 615376.

Submission:

Labcorp Genetics (formerly Invitae), Labcorp
Classification: Pathogenic for Neuronopathy, distal hereditary motor, autosomal recessive 4; Charcot-Marie-Tooth disease recessive intermediate C. Last evaluated: 2024-12-17. Review status: criteria provided, single submitter. Criteria: Invitae Variant Classification Sherloc (09022015). Collection method: clinical testing. Allele origin: germline.
Comment: This sequence change creates a premature translational stop signal (p.Gly660Argfs*51) in the PLEKHG5 gene. It is expected to result in an absent or disrupted protein product. Loss-of-function variants in PLEKHG5 are known to be pathogenic (PMID: 17564964, 23777631). This variant is not present in population databases (gnomAD no frequency). This variant has not been reported in the literature in individuals affected with PLEKHG5-related conditions. For these reasons, this variant has been classified as Pathogenic.

Literature cited by the submitters: PubMed 17564964; PubMed 23777631.

NM_020631.6(PLEKHG5):c.1977dup (p.Gly660fs)

Gene: PLEKHG5 (pleckstrin homology and RhoGEF domain containing G5; minus strand). Cytogenetic location: 1p36.31.
Variant type: Duplication.
Coding change: c.1977dup on transcript NM_020631.6 (MANE Select); coding-DNA position 1977, one base duplicated (A; older notation c.1977dupA).
Protein change: p.Gly660fs; shifts the reading frame from glycine 660.
Molecular consequence: frameshift variant.
Genome position (GRCh38, 1-based): chr1:6,469,407, T duplicated on the plus strand (A on the coding strand, the reverse complement: PLEKHG5 is on the minus strand). VCF-style (leftmost placement, unchanged base first): chr1-6469406-C-CT. GRCh37 (hg19) VCF-style: chr1-6529466-C-CT.
Other names: c.2088dup, p.Gly697fs (NM_001042663.3, NM_001265592.2); c.1977dup, p.Gly660fs (NM_001042664.2, NM_001042665.2, NM_001265594.3 and 1 more transcripts); c.2184dup, p.Gly729fs (NM_001265593.2); short protein forms G660fs, G697fs, G729fs.
Identifiers: ClinVar variation 3751825 (VCV003751825.2).